The following is an entry in ClinVar:

NM_182961.4(SYNE1):c.-224+18G>A

Gene: SYNE1 (spectrin repeat containing nuclear envelope protein 1; minus strand). Cytogenetic location: 6q25.2.
Variant type: single nucleotide variant.
Coding change: c.-224+18G>A on transcript NM_182961.4 (MANE Select); 18 bases into the intron after 224 bases upstream of the start codon, G replaced by A.
Molecular consequence: intron variant.
Genome position (GRCh38, 1-based): chr6:152,636,620, C>T on the plus strand (G>A on the coding strand, the complement: SYNE1 is on the minus strand). VCF-style: chr6-152636620-C-T. GRCh37 (hg19) VCF-style: chr6-152957755-C-T.
Other names: c.-224+18G>A (NM_033071.5).
Identifiers: ClinVar variation 506857 (VCV000506857.1), dbSNP rs1221803379, ClinGen allele CA658796846.

ClinVar aggregate classification (germline): Likely benign (1 of 4 stars; one submission).

Allele frequency attached by ClinVar (database versions not stated): TOPMed below 0.00001 and 0.00001.

Submission:

GeneDx
Classification: Likely benign. Last evaluated: 2017-01-18. Review status: criteria provided, single submitter. Criteria: GeneDx Variant Classification (06012015). Collection method: clinical testing. Allele origin: germline. Affected: yes.
Comment: This variant is considered likely benign or benign based on one or more of the following criteria: it is a conservative change, it occurs at a poorly conserved position in the protein, it is predicted to be benign by multiple in silico algorithms, and/or has population frequency not consistent with disease.